The following is an entry in ClinVar:

ClinVar aggregate classification (germline): Uncertain significance (1 of 4 stars; one submission).

Allele frequency attached by ClinVar (database versions not stated): gnomAD exomes 0.00001; ExAC 0.00002.
gnomAD v4.1: 7 of 1,612,280 alleles (0.00043%); highest among the groups gnomAD compares: Non-Finnish European, 0.00059%; no homozygotes.

Submission:

Labcorp Genetics (formerly Invitae), Labcorp
Classification: Uncertain significance. Last evaluated: 2021-04-29. Review status: criteria provided, single submitter. Criteria: Invitae Variant Classification Sherloc (09022015). Collection method: clinical testing. Allele origin: germline.
Comment: In summary, the available evidence is currently insufficient to determine the role of this variant in disease. Therefore, it has been classified as a Variant of Uncertain Significance. This sequence change replaces aspartic acid with glycine at codon 356 of the UNC45A protein (p.Asp356Gly). The aspartic acid residue is weakly conserved and there is a moderate physicochemical difference between aspartic acid and glycine. This variant is present in population databases (rs762539863, ExAC 0.003%). This variant has not been reported in the literature in individuals with UNC45A-related conditions. Algorithms developed to predict the effect of missense changes on protein structure and function are either unavailable or do not agree on the potential impact of this missense change (SIFT: "Not Available"; PolyPhen-2: "Benign"; Align-GVGD: "Not Available").

NM_018671.5(UNC45A):c.1067A>G (p.Asp356Gly)

Gene: UNC45A (unc-45 myosin chaperone A; plus strand). Cytogenetic location: 15q26.1.
Variant type: single nucleotide variant.
Coding change: c.1067A>G on transcript NM_018671.5 (MANE Select); coding-DNA position 1067, A replaced by G.
Protein change: p.Asp356Gly; replaces aspartic acid 356 with glycine.
Molecular consequence: missense variant.
Genome position (GRCh38, 1-based): chr15:90,944,931, A>G. VCF-style: chr15-90944931-A-G. GRCh37 (hg19) VCF-style: chr15-91488161-A-G.
Other names: c.1022A>G, p.Asp341Gly (NM_001039675.2, NM_001323621.2); c.1067A>G, p.Asp356Gly (NM_001323619.1); c.632A>G, p.Asp211Gly (NM_001323620.2); short protein forms D341G, D356G, D211G.
Identifiers: ClinVar variation 1502046 (VCV001502046.6), dbSNP rs762539863, ClinGen allele CA7742773.